The following is an entry in ClinVar:

NM_000122.2(ERCC3):c.2224C>T (p.Arg742Trp)

Gene: ERCC3 (ERCC excision repair 3, TFIIH core complex helicase subunit; minus strand). Cytogenetic location: 2q14.3.
Variant type: single nucleotide variant.
Coding change: c.2224C>T on transcript NM_000122.2 (MANE Select); coding-DNA position 2224, C replaced by T.
Protein change: p.Arg742Trp; replaces arginine 742 with tryptophan.
Molecular consequence: missense variant.
Genome position (GRCh38, 1-based): chr2:127,257,721, G>A on the plus strand (C>T on the coding strand, the complement: ERCC3 is on the minus strand). VCF-style: chr2-127257721-G-A. GRCh37 (hg19) VCF-style: chr2-128015297-G-A.
Other names: c.2032C>T, p.Arg678Trp (NM_001303416.2, NM_001303418.2); short protein forms R678W, R742W.
Identifiers: ClinVar variation 893584 (VCV000893584.8), dbSNP rs368664230, ClinGen allele CA1858033.

ClinVar aggregate classification (germline): Uncertain significance. Review status: criteria provided, multiple submitters, no conflicts (2 of 4 stars). 2 submissions from 2 submitters: Uncertain significance (2). Last evaluated 2022-06-15.

Conditions:
Xeroderma pigmentosum group B. Also called: XP, GROUP B; XPB/CS; XERODERMA PIGMENTOSUM B/COCKAYNE SYNDROME; ERCC3-Related Xeroderma Pigmentosum. Identifiers: MedGen C0268136, MONDO:0012531, OMIM 610651.

Allele frequency attached by ClinVar (database versions not stated): ExAC 0.00002; gnomAD exomes 0.00006 and 0.00011; ESP Exome Variant Server 0.00008; gnomAD 0.00009 and 0.00011; TOPMed 0.00009.
gnomAD v4.1: 188 of 1,614,084 alleles (0.012%); highest among the groups gnomAD compares: Non-Finnish European, 0.014%; no homozygotes.

Submissions (2):

Labcorp Genetics (formerly Invitae), Labcorp
Classification: Uncertain significance. Last evaluated: 2022-06-15. Review status: criteria provided, single submitter. Criteria: Invitae Variant Classification Sherloc (09022015). Collection method: clinical testing. Allele origin: germline.
Comment: This sequence change replaces arginine, which is basic and polar, with tryptophan, which is neutral and slightly polar, at codon 742 of the ERCC3 protein (p.Arg742Trp). This variant is present in population databases (rs368664230, gnomAD 0.009%). This variant has not been reported in the literature in individuals affected with ERCC3-related conditions. ClinVar contains an entry for this variant (Variation ID: 893584). Algorithms developed to predict the effect of missense changes on protein structure and function are either unavailable or do not agree on the potential impact of this missense change (SIFT: "Deleterious"; PolyPhen-2: "Probably Damaging"; Align-GVGD: "Class C0"). In summary, the available evidence is currently insufficient to determine the role of this variant in disease. Therefore, it has been classified as a Variant of Uncertain Significance.

Illumina Laboratory Services, Illumina
Classification: Uncertain significance for Xeroderma pigmentosum group B. Last evaluated: 2018-01-12. Review status: criteria provided, single submitter. Criteria: ICSL Variant Classification Criteria 13 December 2019. Collection method: clinical testing. Allele origin: germline.